The following is an entry in ClinVar:

ClinVar aggregate classification (germline): Likely benign (0 of 4 stars; one submission).

Conditions:
PATL2-related disorder. Also called: PATL2-related condition.

gnomAD v4.1: 19 of 1,551,360 alleles (0.0012%); highest among the groups gnomAD compares: Non-Finnish European, 0.0017%; no homozygotes.

Submission:

PreventionGenetics, part of Exact Sciences
Classification: Likely benign for PATL2-related condition. Last evaluated: 2019-08-09. Review status: no assertion criteria provided. Collection method: clinical testing. Allele origin: germline.
Comment: This variant is classified as likely benign based on ACMG/AMP sequence variant interpretation guidelines (Richards et al. 2015 PMID: 25741868, with internal and published modifications).

NM_001387263.1(PATL2):c.429G>T (p.Ser143=)

Gene: PATL2 (PAT1 homolog 2; minus strand). Cytogenetic location: 15q21.1.
Variant type: single nucleotide variant.
Coding change: c.429G>T on transcript NM_001387263.1 (MANE Select); coding-DNA position 429, G replaced by T.
Protein change: p.Ser143=; no amino-acid change (serine 143 retained).
Molecular consequence: synonymous variant. On other transcripts: 5 prime UTR variant (1).
Genome position (GRCh38, 1-based): chr15:44,673,252, C>A on the plus strand (G>T on the coding strand, the complement: PATL2 is on the minus strand). VCF-style: chr15-44673252-C-A. GRCh37 (hg19) VCF-style: chr15-44965450-C-A.
Other names: c.429G>T, p.Ser143= (NM_001145112.2, NM_001387260.1, NM_001387261.1 and 2 more transcripts); c.-222G>T (NM_001330283.2).
Identifiers: ClinVar variation 3035655 (VCV003035655.2), dbSNP rs770246020, ClinGen allele CA490203742.